The following is an entry in ClinVar:

NM_000135.4(FANCA):c.1216C>A (p.Leu406Met)

Gene: FANCA (FA complementation group A; minus strand). Cytogenetic location: 16q24.3.
Variant type: single nucleotide variant.
Coding change: c.1216C>A on transcript NM_000135.4 (MANE Select); coding-DNA position 1216, C replaced by A.
Protein change: p.Leu406Met; replaces leucine 406 with methionine.
Molecular consequence: missense variant.
Genome position (GRCh38, 1-based): chr16:89,791,936, G>T on the plus strand (C>A on the coding strand, the complement: FANCA is on the minus strand). VCF-style: chr16-89791936-G-T. GRCh37 (hg19) VCF-style: chr16-89858344-G-T.
Other names: c.1216C>A, p.Leu406Met (NM_001286167.3); short protein forms L406M.
Identifiers: ClinVar variation 2420438 (VCV002420438.6), dbSNP rs2544273203, ClinGen allele CA397465936.

ClinVar aggregate classification (germline): Uncertain significance (1 of 4 stars; one submission).

Conditions:
Fanconi anemia (FA). Also called: Fanconi's anemia. Identifiers: Orphanet 84, MedGen C0015625, MeSH D005199, MONDO:0019391.

Submission:

Labcorp Genetics (formerly Invitae), Labcorp
Classification: Uncertain significance for Fanconi anemia. Last evaluated: 2022-04-09. Review status: criteria provided, single submitter. Criteria: Invitae Variant Classification Sherloc (09022015). Collection method: clinical testing. Allele origin: germline.
Comment: In summary, the available evidence is currently insufficient to determine the role of this variant in disease. Therefore, it has been classified as a Variant of Uncertain Significance. Algorithms developed to predict the effect of missense changes on protein structure and function are either unavailable or do not agree on the potential impact of this missense change (SIFT: "Tolerated"; PolyPhen-2: "Possibly Damaging"; Align-GVGD: "Class C0"). This variant has not been reported in the literature in individuals affected with FANCA-related conditions. This variant is not present in population databases (gnomAD no frequency). This sequence change replaces leucine, which is neutral and non-polar, with methionine, which is neutral and non-polar, at codon 406 of the FANCA protein (p.Leu406Met).